The following is an entry in ClinVar:

ClinVar aggregate classification (germline): Pathogenic (1 of 4 stars; one submission).

Conditions:
Kabuki syndrome. Also called: Kabuki make-up syndrome; NIIKAWA-KUROKI SYNDROME. Identifiers: Orphanet 2322, MedGen C0796004, MONDO:0016512.

Submission:

Labcorp Genetics (formerly Invitae), Labcorp
Classification: Pathogenic for Kabuki syndrome. Last evaluated: 2021-01-15. Review status: criteria provided, single submitter. Criteria: Invitae Variant Classification Sherloc (09022015). Collection method: clinical testing. Allele origin: germline.
Comment: This sequence change replaces leucine with proline at codon 5293 of the KMT2D protein (p.Leu5293Pro). The leucine residue is moderately conserved and there is a moderate physicochemical difference between leucine and proline. This variant is not present in population databases (ExAC no frequency). This variant has been observed in individual(s) with KMT2D-related conditions (Invitae). In at least one individual the variant was observed to be de novo. Advanced modeling of protein sequence and biophysical properties (such as structural, functional, and spatial information, amino acid conservation, physicochemical variation, residue mobility, and thermodynamic stability) performed at Invitae indicates that this missense variant is expected to disrupt KMT2D protein function. For these reasons, this variant has been classified as Pathogenic.

NM_003482.4(KMT2D):c.15878T>C (p.Leu5293Pro)

Gene: KMT2D (lysine methyltransferase 2D; minus strand). Cytogenetic location: 12q13.12.
Variant type: single nucleotide variant.
Coding change: c.15878T>C on transcript NM_003482.4 (MANE Select); coding-DNA position 15878, T replaced by C.
Protein change: p.Leu5293Pro; replaces leucine 5293 with proline.
Molecular consequence: missense variant.
Genome position (GRCh38, 1-based): chr12:49,024,853, A>G on the plus strand (T>C on the coding strand, the complement: KMT2D is on the minus strand). VCF-style: chr12-49024853-A-G. GRCh37 (hg19) VCF-style: chr12-49418636-A-G.
Other names: short protein forms L5293P.
Identifiers: ClinVar variation 1020791 (VCV001020791.8), dbSNP rs1942496967, ClinGen allele CA384682804.